The following is an entry in ClinVar:

NM_152906.7(TANGO2):c.236C>T (p.Pro79Leu)

Gene: TANGO2 (transport and golgi organization 2 homolog; plus strand). Cytogenetic location: 22q11.21.
Variant type: single nucleotide variant.
Coding change: c.236C>T on transcript NM_152906.7 (MANE Select); coding-DNA position 236, C replaced by T.
Protein change: p.Pro79Leu; replaces proline 79 with leucine.
Molecular consequence: missense variant. On other transcripts: synonymous variant (12), non-coding transcript variant (5).
Genome position (GRCh38, 1-based): chr22:20,052,555, C>T. VCF-style: chr22-20052555-C-T. GRCh37 (hg19) VCF-style: chr22-20040078-C-T.
Other names: c.359C>T, p.Pro120Leu (NM_001283129.3, NM_001283215.3, NM_001322141.2 and 5 more transcripts); c.236C>T, p.Pro79Leu (NM_001283148.3, NM_001283106.3, NM_001283116.3 and 10 more transcripts); c.57C>T, p.Ala19= (NM_001283235.3, NM_001322146.2, NM_001322148.2 and 9 more transcripts); c.236C>T (NM_152906.4); short protein forms P120L, P79L.
Identifiers: ClinVar variation 1478261 (VCV001478261.4), dbSNP rs770262515, ClinGen allele CA10106242.

ClinVar aggregate classification (germline): Uncertain significance. Review status: criteria provided, multiple submitters, no conflicts (2 of 4 stars). 2 submissions from 2 submitters: Uncertain significance (2). Last evaluated 2024-08-20.

Conditions:
Inborn genetic diseases. Identifiers: MedGen C0950123, MeSH D030342.

Allele frequency attached by ClinVar (database versions not stated): gnomAD exomes 0.00001; ExAC 0.00002; gnomAD 0.00002; TOPMed 0.00002.
gnomAD v4.1: 26 of 1,593,226 alleles (0.0016%); highest among the groups gnomAD compares: Non-Finnish European, 0.002%; no homozygotes.

Submissions (2):

Ambry Genetics
Classification: Uncertain significance for Inborn genetic diseases. Last evaluated: 2024-08-20. Review status: criteria provided, single submitter. Criteria: Ambry Variant Classification Scheme 2023. Collection method: clinical testing. Allele origin: germline.

Labcorp Genetics (formerly Invitae), Labcorp
Classification: Uncertain significance. Last evaluated: 2022-06-10. Review status: criteria provided, single submitter. Criteria: Invitae Variant Classification Sherloc (09022015). Collection method: clinical testing. Allele origin: germline.
Comment: This sequence change replaces proline, which is neutral and non-polar, with leucine, which is neutral and non-polar, at codon 79 of the TANGO2 protein (p.Pro79Leu). This variant is present in population databases (rs770262515, gnomAD 0.003%). This variant has not been reported in the literature in individuals affected with TANGO2-related conditions. Algorithms developed to predict the effect of missense changes on protein structure and function are either unavailable or do not agree on the potential impact of this missense change (SIFT: "Not Available"; PolyPhen-2: "Possibly Damaging"; Align-GVGD: "Not Available"). In summary, the available evidence is currently insufficient to determine the role of this variant in disease. Therefore, it has been classified as a Variant of Uncertain Significance.